The following is an entry in ClinVar:

NM_032119.4(ADGRV1):c.8515G>T (p.Glu2839Ter)

Gene: ADGRV1 (adhesion G protein-coupled receptor V1; plus strand). Cytogenetic location: 5q14.3.
Variant type: single nucleotide variant.
Coding change: c.8515G>T on transcript NM_032119.4 (MANE Select); coding-DNA position 8515, G replaced by T.
Protein change: p.Glu2839Ter; replaces glutamic acid 2839 with a stop codon.
Molecular consequence: nonsense. On other transcripts: non-coding transcript variant (1).
Genome position (GRCh38, 1-based): chr5:90,705,528, G>T. VCF-style: chr5-90705528-G-T. GRCh37 (hg19) VCF-style: chr5-90001345-G-T.
Other names: short protein forms E2839*.
Identifiers: ClinVar variation 2768283 (VCV002768283.3), dbSNP rs2531081710, ClinGen allele CA360391457.

ClinVar aggregate classification (germline): Pathogenic (1 of 4 stars; one submission).

Submission:

Labcorp Genetics (formerly Invitae), Labcorp
Classification: Pathogenic. Last evaluated: 2023-10-14. Review status: criteria provided, single submitter. Criteria: Invitae Variant Classification Sherloc (09022015). Collection method: clinical testing. Allele origin: germline.
Comment: This sequence change creates a premature translational stop signal (p.Glu2839*) in the ADGRV1 gene. It is expected to result in an absent or disrupted protein product. Loss-of-function variants in ADGRV1 are known to be pathogenic (PMID: 19357117, 22135276, 22147658, 26226137, 30718709, 31047384, 32467589). This variant is not present in population databases (gnomAD no frequency). This variant has not been reported in the literature in individuals affected with ADGRV1-related conditions. Algorithms developed to predict the effect of sequence changes on RNA splicing suggest that this variant may disrupt the consensus splice site. For these reasons, this variant has been classified as Pathogenic.

Literature cited by the submitters: PubMed 19357117; PubMed 22135276; PubMed 22147658; PubMed 26226137; PubMed 30718709; PubMed 31047384; PubMed 32467589.